The following is an entry in ClinVar:

ClinVar aggregate classification (germline): Likely benign (1 of 4 stars; one submission).

Submission:

CeGaT Center for Human Genetics Tuebingen
Classification: Likely benign. Last evaluated: 2026-02-01. Review status: criteria provided, single submitter. Criteria: CeGaT Center For Human Genetics Tuebingen Variant Classification Criteria Version 2. Collection method: clinical testing. Allele origin: germline. Affected: yes. Observed: 1 variant allele.
Comment: TTN: PM2:Supporting, BP4, BP7

NM_001267550.2(TTN):c.52579T>C (p.Leu17527=)

Genes: TTN (titin; minus strand), TTN-AS1 (TTN antisense RNA 1; plus strand), LOC126806425 (BRD4-independent group 4 enhancer GRCh37_chr2:179471933-179473132; plus strand). Cytogenetic location: 2q31.2.
Variant type: single nucleotide variant.
Coding change: c.52579T>C on transcript NM_001267550.2 (MANE Select); coding-DNA position 52579, T replaced by C.
Protein change: p.Leu17527=; no amino-acid change (leucine 17527 retained).
Molecular consequence: synonymous variant.
Genome position (GRCh38, 1-based): chr2:178,608,304, A>G on the plus strand (T>C on the coding strand, the complement: TTN is on the minus strand). VCF-style: chr2-178608304-A-G. GRCh37 (hg19) VCF-style: chr2-179473031-A-G.
Other names: c.47656T>C, p.Leu15886= (NM_001256850.1); c.25384T>C, p.Leu8462= (NM_003319.4); c.44875T>C, p.Leu14959= (NM_133378.4); c.25759T>C, p.Leu8587= (NM_133432.3); c.25960T>C, p.Leu8654= (NM_133437.4).
Identifiers: ClinVar variation 4823165 (VCV004823165.4).
Genomic context (GRCh38, chr2:178,608,304, plus strand): 5'-CAGCACATACTCTGAAGACATAGGTGAGTCCTTCTAATAAGCCATCTACATTGGCTTTCA[A>G]GGCATTCAGAAGGCTTTTGTTGACACGAGACCAATGTGTACTGTTAACTTCACGTTTTTC-3'
Protein context (NP_001254479.2, residues 17517-17537): SRVNKSLLNA[Leu17527=]KANVDGLLEG